The following is an entry in ClinVar:

ClinVar aggregate classification (germline): Uncertain significance (1 of 4 stars; one submission).

Submission:

Dasa
Classification: Uncertain significance. Last evaluated: 2026-04-16. Review status: criteria provided, single submitter. Criteria: DASA Assertion Criteria. Collection method: clinical testing. Allele origin: germline.
Comment: NM_004456.5(EZH2):c.881del (p.Cys294Serfs*27) is a frameshift variant in EZH2 predicted to alter the reading frame and introduce a premature termination codon and is predicted to result in an absent or altered protein product. This variant is rare in population databases. The currently available literature and clinical evidence are not sufficient to establish a definitive association between this variant and the reported condition. Therefore, this variant is classified as a variant of uncertain significance.

NM_004456.5(EZH2):c.881del (p.Cys294fs)

Gene: EZH2 (enhancer of zeste 2 polycomb repressive complex 2 subunit; minus strand). Cytogenetic location: 7q36.1.
Variant type: Deletion.
Coding change: c.881del on transcript NM_004456.5 (MANE Select); coding-DNA position 881, one base deleted (G; older notation c.881delG).
Protein change: p.Cys294fs; shifts the reading frame from cysteine 294.
Molecular consequence: frameshift variant.
Genome position (GRCh38, 1-based): chr7:148,826,480, C deleted on the plus strand (G on the coding strand, the reverse complement: EZH2 is on the minus strand). VCF-style (leftmost placement, unchanged base first): chr7-148826479-GC-G. GRCh37 (hg19) VCF-style: chr7-148523571-GC-G.
Other names: c.881del, p.Cys294fs (NM_001203247.2); c.854del, p.Cys285fs (NM_001203248.2, NM_001203249.2); c.764del, p.Cys255fs (NM_152998.3); short protein forms C255fs, C285fs, C294fs.
Identifiers: ClinVar variation 4886255 (VCV004886255.2).